The following is an entry in ClinVar:

NM_016169.4(SUFU):c.106G>A (p.Ala36Thr)

Gene: SUFU (SUFU negative regulator of hedgehog signaling; plus strand). Cytogenetic location: 10q24.32.
Variant type: single nucleotide variant.
Coding change: c.106G>A on transcript NM_016169.4 (MANE Select); coding-DNA position 106, G replaced by A.
Protein change: p.Ala36Thr; replaces alanine 36 with threonine.
Molecular consequence: missense variant.
Genome position (GRCh38, 1-based): chr10:102,504,258, G>A. VCF-style: chr10-102504258-G-A. GRCh37 (hg19) VCF-style: chr10-104264015-G-A.
Other names: c.106G>A, p.Ala36Thr (NM_001178133.2); short protein forms A36T.
Identifiers: ClinVar variation 1720692 (VCV001720692.7), dbSNP rs2135598210, ClinGen allele CA377886490.

ClinVar aggregate classification (germline): Uncertain significance. Review status: criteria provided, multiple submitters, no conflicts (2 of 4 stars). 2 submissions from 2 submitters: Uncertain significance (2). Last evaluated 2025-07-28.

Conditions:
Medulloblastoma (MDB). Also called: MEDULLOBLASTOMA PREDISPOSITION SYNDROME; Medulloblastoma, somatic. Identifiers: Orphanet 616, MedGen C0025149, MeSH D008527, MONDO:0007959, OMIM 155255, HP:0002885.
Gorlin syndrome. Also called: Basal cell nevus syndrome; Nevoid Basal Cell Carcinoma Syndrome. Identifiers: Orphanet 377, MedGen C0004779, MONDO:0007187.
Hereditary cancer-predisposing syndrome. Also called: Hereditary Cancer Syndrome; Hereditary neoplastic syndrome; Neoplastic Syndromes, Hereditary; Tumor predisposition. Identifiers: Orphanet 140162, MedGen C0027672, MeSH D009386, MONDO:0015356.

Submissions (2):

Ambry Genetics
Classification: Uncertain significance for Hereditary cancer-predisposing syndrome. Last evaluated: 2025-07-28. Review status: criteria provided, single submitter. Criteria: Ambry Variant Classification Scheme 2023. Collection method: clinical testing. Allele origin: germline.
Comment: The p.A36T variant (also known as c.106G>A), located in coding exon 1 of the SUFU gene, results from a G to A substitution at nucleotide position 106. The alanine at codon 36 is replaced by threonine, an amino acid with similar properties. This amino acid position is well conserved in available vertebrate species. In addition, the in silico prediction for this alteration is inconclusive. Based on the available evidence, the clinical significance of this variant remains unclear.

Labcorp Genetics (formerly Invitae), Labcorp
Classification: Uncertain significance for Gorlin syndrome; Medulloblastoma. Last evaluated: 2022-10-16. Review status: criteria provided, single submitter. Criteria: Invitae Variant Classification Sherloc (09022015). Collection method: clinical testing. Allele origin: germline.
Comment: This sequence change replaces alanine, which is neutral and non-polar, with threonine, which is neutral and polar, at codon 36 of the SUFU protein (p.Ala36Thr). This variant is not present in population databases (gnomAD no frequency). This variant has not been reported in the literature in individuals affected with SUFU-related conditions. Advanced modeling of protein sequence and biophysical properties (such as structural, functional, and spatial information, amino acid conservation, physicochemical variation, residue mobility, and thermodynamic stability) performed at Invitae indicates that this missense variant is not expected to disrupt SUFU protein function. In summary, the available evidence is currently insufficient to determine the role of this variant in disease. Therefore, it has been classified as a Variant of Uncertain Significance.